The following continues an entry in ClinVar:

NM_000363.5(TNNI3):c.407G>A (p.Arg136Gln)

Gene: TNNI3. ClinVar aggregate classification (germline): Conflicting classifications of pathogenicity. Pathogenic (3); Likely pathogenic (11); Uncertain significance (2).

Submissions 12 to 16 of 16:

All of Us Research Program, National Institutes of Health
Classification: Uncertain significance for Hypertrophic cardiomyopathy. Last evaluated: 2023-12-14. Review status: criteria provided, single submitter. Criteria: ACMG Guidelines, 2015. Collection method: clinical testing. Allele origin: germline. Inheritance: Autosomal dominant inheritance. Observed: 1 variant allele, 1 heterozygote.
Comment: This variant has been reported in multiple individuals with hypertrophic cardiomyopathy (PMID: 20624503, 20800588, 24510615, 24793961, 25132132, 27532257, 30297972, 35176171). This variant is located in a well-established functional domain of the protein where other pathogenic or likely pathogenic variants have been described (PMID: 20624503). This variant is present in 1/248592 total alleles in the Genome Aggregation Database.

This study involves interpretation of variants in research participants for the purpose of population health screening. Participant phenotype was not available at the time of variant classification. Additional details can be found in publication PMID: 35346344, PMCID: PMC8962531

CHEO Genetics Diagnostic Laboratory, Children's Hospital of Eastern Ontario
Classification: Likely pathogenic for Cardiomyopathy. Last evaluated: 2022-11-30. Review status: criteria provided, single submitter. Criteria: ACMG Guidelines, 2015. Collection method: clinical testing. Allele origin: germline. Study: Canadian Open Genetics Repository.

New York Genome Center
Classification: Likely pathogenic for Hypertrophic cardiomyopathy 7. Last evaluated: 2020-04-24. Review status: criteria provided, single submitter. Criteria: NYGC Assertion Criteria 2020. Collection method: clinical testing. Allele origin: germline. Observed: 1 heterozygote. Study: CSER-NYCKidSeq.
Comment: The c.407G>A, p.Arg136Gln variant has 0.0004% allele frequency in the gnomAD database (1 out of 248,592 heterozygous alleles), indicating this is a rare allele. This sequence change has been observed in individuals affected with hypertrophic cardiomyopathy [PMID: 28356264; PMID:27532257; PMID: 24510615; PMID: 22765922; PMID: 20624503]. In silico tools(SIFT, PolyPhen-2, Align-GVGD, REVEL, and CADD) suggest that this variant is likely to be disruptive, but these predictions have not been confirmed by published functional studies and their clinical significance is uncertain. Based on available evidence this variant has been classified as Likely Pathogenic.

Blueprint Genetics
Classification: Pathogenic for TNNI3-related disorders. Last evaluated: 2019-10-23. Review status: criteria provided, single submitter. Criteria: ACMG Guidelines, 2015. Collection method: clinical testing. Allele origin: germline. Affected: yes. Observed: 2 variant alleles.

Clinical Genetics Service, Universitary Hospital 12 de Octubre
Classification: Likely pathogenic for Hypertrophic cardiomyopathy 7. Review status: criteria provided, single submitter. Criteria: ACMG Guidelines, 2015. Collection method: clinical testing. Allele origin: germline. Affected: yes.

Literature cited by the submitters: PubMed 15070570 (cited by Victorian Clinical Genetics Services, Murdoch Childrens Research Institute); PubMed 23270746 (cited by Victorian Clinical Genetics Services, Murdoch Childrens Research Institute); PubMed 21533915 (cited by Victorian Clinical Genetics Services, Murdoch Childrens Research Institute); PubMed 32731933 (cited by Victorian Clinical Genetics Services, Murdoch Childrens Research Institute); PubMed 19914256 (cited by Victorian Clinical Genetics Services, Murdoch Childrens Research Institute); PubMed 15607392 (cited by Victorian Clinical Genetics Services, Murdoch Childrens Research Institute); PubMed 20624503 (cited by 6 submitters); PubMed 22765922 (cited by 4 submitters); PubMed 24510615 (cited by 5 submitters); PubMed 27532257 (cited by 5 submitters); PubMed 28356264 (cited by Labcorp Genetics (formerly Invitae), Labcorp and Color Diagnostics, LLC DBA Color Health); PubMed 20800588 (cited by Color Diagnostics, LLC DBA Color Health and All of Us Research Program, National Institutes of Health); PubMed 23140321 (cited by Color Diagnostics, LLC DBA Color Health); PubMed 24793961 (cited by Color Diagnostics, LLC DBA Color Health and All of Us Research Program, National Institutes of Health); PubMed 25132132 (cited by Color Diagnostics, LLC DBA Color Health and All of Us Research Program, National Institutes of Health); PubMed 30297972 (cited by 3 submitters); PubMed 35176171 (cited by 3 submitters); PubMed 37652022 (cited by Color Diagnostics, LLC DBA Color Health and North West Genomic Laboratory Hub, Manchester University NHS Foundation Trust); PubMed 34426522 (cited by North West Genomic Laboratory Hub, Manchester University NHS Foundation Trust); PubMed 33336002 (cited by North West Genomic Laboratory Hub, Manchester University NHS Foundation Trust); PubMed 33087929 (cited by North West Genomic Laboratory Hub, Manchester University NHS Foundation Trust).